The following is an entry in ClinVar:

ClinVar aggregate classification (germline): Likely pathogenic. Review status: criteria provided, multiple submitters, no conflicts (2 of 4 stars). 2 submissions from 2 submitters: Likely pathogenic (2). Last evaluated 2024-01-17.

Conditions:
Autosomal recessive nonsyndromic hearing loss 77. Identifiers: Orphanet 90636, MedGen C2746083, MONDO:0013119, OMIM 613079.

Submissions (2):

Fulgent Genetics
Classification: Likely pathogenic for Autosomal recessive nonsyndromic hearing loss 77. Last evaluated: 2024-01-17. Review status: criteria provided, single submitter. Criteria: ACMG Guidelines, 2015. Collection method: clinical testing. Allele origin: germline.

Labcorp Genetics (formerly Invitae), Labcorp
Classification: Likely pathogenic. Last evaluated: 2023-11-06. Review status: criteria provided, single submitter. Criteria: Invitae Variant Classification Sherloc (09022015). Collection method: clinical testing. Allele origin: germline.
Comment: This variant results in the deletion of part of exon 5 (c.608_610+3del) of the LOXHD1 gene. It is expected to disrupt RNA splicing. Variants that disrupt the donor or acceptor splice site typically lead to a loss of protein function (PMID: 16199547), and loss-of-function variants in LOXHD1 are known to be pathogenic (PMID: 19732867, 21465660, 25792669). This variant is not present in population databases (gnomAD no frequency). This variant has not been reported in the literature in individuals affected with LOXHD1-related conditions. ClinVar contains an entry for this variant (Variation ID: 2169486). In summary, the currently available evidence indicates that the variant is pathogenic, but additional data are needed to prove that conclusively. Therefore, this variant has been classified as Likely Pathogenic.

Literature cited by the submitters: PubMed 16199547 (cited by Labcorp Genetics (formerly Invitae), Labcorp); PubMed 19732867 (cited by Labcorp Genetics (formerly Invitae), Labcorp); PubMed 21465660 (cited by Labcorp Genetics (formerly Invitae), Labcorp); PubMed 25792669 (cited by Labcorp Genetics (formerly Invitae), Labcorp).

NM_001384474.1(LOXHD1):c.608_610+3del

Gene: LOXHD1 (lipoxygenase homology PLAT domains 1; minus strand). Cytogenetic location: 18q21.1.
Variant type: Deletion.
Coding change: c.608_610+3del on transcript NM_001384474.1 (MANE Select); coding-DNA position 608 through 3 bases into the intron after coding-DNA position 610, 6 bases deleted (CAGGTA; older notation c.608_610+3delCAGGTA).
Molecular consequence: splice donor variant.
Genome position (GRCh38, 1-based): chr18:46,618,189-46,618,194, TACCTG deleted on the plus strand (CAGGTA on the coding strand, the reverse complement: LOXHD1 is on the minus strand); deleting any 6 consecutive bases within chr18:46,618,189-46,618,195 gives the same sequence; the c. name uses the placement nearest the transcript's 3' end. VCF-style (leftmost placement, unchanged base first): chr18-46618188-TTACCTG-T. GRCh37 (hg19) VCF-style: chr18-44198151-TTACCTG-T.
Other names: c.608_610+3del (NM_144612.6, NM_144612.7).
Identifiers: ClinVar variation 2169486 (VCV002169486.5), dbSNP rs2511978432, ClinGen allele CA2580095742.